The following is an entry in ClinVar:

ClinVar aggregate classification (germline): Uncertain significance. Review status: criteria provided, multiple submitters, no conflicts (2 of 4 stars). 3 submissions from 3 submitters: Uncertain significance (3). Last evaluated 2024-05-08.

Conditions:
Hereditary cancer-predisposing syndrome. Also called: Neoplastic Syndromes, Hereditary; Hereditary Cancer Syndrome; Hereditary neoplastic syndrome; Tumor predisposition. Identifiers: Orphanet 140162, MedGen C0027672, MeSH D009386, MONDO:0015356.
Ataxia-telangiectasia syndrome (AT). Also called: ATAXIA-TELANGIECTASIA, COMPLEMENTATION GROUP A; ATAXIA-TELANGIECTASIA, FRESNO VARIANT; Ataxia-telangiectasia, complementation group E; Ataxia telangiectasia (A-T); LOUIS-BAR SYNDROME; Cerebello-oculocutaneous telangiectasia. Identifiers: Orphanet 100, MedGen C0004135, MONDO:0008840, OMIM 208900.

Allele frequency attached by ClinVar (database versions not stated): gnomAD below 0.00001 and 0.00001; gnomAD exomes below 0.00001.
gnomAD v4.1: 6 of 1,510,438 alleles (0.0004%); highest among the groups gnomAD compares: South Asian, 0.0057%; no homozygotes.

Submissions (3):

Ambry Genetics
Classification: Uncertain significance for Hereditary cancer-predisposing syndrome. Last evaluated: 2024-05-08. Review status: criteria provided, single submitter. Criteria: Ambry Variant Classification Scheme 2023. Collection method: clinical testing. Allele origin: germline.
Comment: The p.T1242A variant (also known as c.3724A>G), located in coding exon 24 of the ATM gene, results from an A to G substitution at nucleotide position 3724. The threonine at codon 1242 is replaced by alanine, an amino acid with similar properties. This amino acid position is not well conserved in available vertebrate species. In addition, this alteration is predicted to be tolerated by in silico analysis. Since supporting evidence is limited at this time, the clinical significance of this alteration remains unclear.

Labcorp Genetics (formerly Invitae), Labcorp
Classification: Uncertain significance for Ataxia-telangiectasia syndrome. Last evaluated: 2024-03-07. Review status: criteria provided, single submitter. Criteria: Invitae Variant Classification Sherloc (09022015). Collection method: clinical testing. Allele origin: germline.
Comment: This sequence change replaces threonine, which is neutral and polar, with alanine, which is neutral and non-polar, at codon 1242 of the ATM protein (p.Thr1242Ala). This variant is not present in population databases (gnomAD no frequency). This variant has not been reported in the literature in individuals affected with ATM-related conditions. ClinVar contains an entry for this variant (Variation ID: 824127). Algorithms developed to predict the effect of missense changes on protein structure and function output the following: SIFT: "Not Available"; PolyPhen-2: "Benign"; Align-GVGD: "Not Available". The alanine amino acid residue is found in multiple mammalian species, which suggests that this missense change does not adversely affect protein function. In summary, the available evidence is currently insufficient to determine the role of this variant in disease. Therefore, it has been classified as a Variant of Uncertain Significance.

GeneDx
Classification: Uncertain significance. Last evaluated: 2019-08-07. Review status: criteria provided, single submitter. Criteria: GeneDx Variant Classification Process June 2021. Collection method: clinical testing. Allele origin: germline. Affected: yes.
Comment: Not observed in large population cohorts (Lek et al., 2016); In silico analysis, which includes protein predictors and evolutionary conservation, supports that this variant does not alter protein structure/function; Has not been previously published as pathogenic or benign to our knowledge

NM_000051.4(ATM):c.3724A>G (p.Thr1242Ala)

Gene: ATM (ATM serine/threonine kinase; plus strand). Cytogenetic location: 11q22.3.
Variant type: single nucleotide variant.
Coding change: c.3724A>G on transcript NM_000051.4 (MANE Select); coding-DNA position 3724, A replaced by G.
Protein change: p.Thr1242Ala; replaces threonine 1242 with alanine.
Molecular consequence: missense variant.
Genome position (GRCh38, 1-based): chr11:108,282,857, A>G. VCF-style: chr11-108282857-A-G. GRCh37 (hg19) VCF-style: chr11-108153584-A-G.
Other names: c.3724A>G, p.Thr1242Ala (NM_001351834.2); short protein forms T1242A.
Identifiers: ClinVar variation 824127 (VCV000824127.13), dbSNP rs1591641743, ClinGen allele CA382523768.